The following is an entry in ClinVar:

ClinVar aggregate classification (germline): Uncertain significance. Review status: criteria provided, multiple submitters, no conflicts (2 of 4 stars). 7 submissions from 7 submitters: Uncertain significance (6). 1 of the submissions does not count toward it. Last evaluated 2023-11-21.

Conditions:
Autosomal recessive limb-girdle muscular dystrophy type 2D (LGMDR3). Also called: MUSCULAR DYSTROPHY, LIMB-GIRDLE, AUTOSOMAL RECESSIVE 3; ADHALINOPATHY, PRIMARY; DUCHENNE-LIKE AUTOSOMAL RECESSIVE MUSCULAR DYSTROPHY, TYPE 2. Identifiers: Orphanet 62, MedGen C2936332, MONDO:0011968, OMIM 608099. Disease mechanism: Affects gamma-sarcoglycan and also disrupts the integrity of the entire sarcoglycan complex..
Inborn genetic diseases. Identifiers: MedGen C0950123, MeSH D030342.

Allele frequency attached by ClinVar (database versions not stated): gnomAD exomes 0.00001 and 0.00004; ExAC 0.00005; 1000 Genomes Project 0.00020; TOPMed 0.00022; gnomAD 0.00023 and 0.00026; 1000 Genomes Project 30x 0.00031.
gnomAD v4.1: 54 of 1,614,048 alleles (0.0033%); highest among the groups gnomAD compares: African/African-American, 0.065%; no homozygotes.

Submissions (7):

Women's Health and Genetics/Laboratory Corporation of America, LabCorp
Classification: Uncertain significance. Last evaluated: 2023-11-21. Review status: criteria provided, single submitter. Criteria: LabCorp Variant Classification Summary - May 2015. Collection method: clinical testing. Allele origin: germline.
Comment: Variant summary: SGCA c.115A>G (p.Thr39Ala) results in a non-conservative amino acid change located in the Dystroglycan-type cadherin-like (IPR006644) of the encoded protein sequence. Three of five in-silico tools predict a benign effect of the variant on protein function. The variant allele was found at a frequency of 3.6e-05 in 251454 control chromosomes. The available data on variant occurrences in the general population are insufficient to allow any conclusion about variant significance. To our knowledge, no occurrence of c.115A>G in individuals affected with Limb-Girdle Muscular Dystrophy, Autosomal Recessive and no experimental evidence demonstrating its impact on protein function have been reported. Six submitters have cited clinical-significance assessments for this variant to ClinVar after 2014. All submitters classified the variant as uncertain significance. Based on the evidence outlined above, the variant was classified as uncertain significance.

Genome-Nilou Lab
Classification: Uncertain significance for Autosomal recessive limb-girdle muscular dystrophy type 2D. Last evaluated: 2023-02-08. Review status: criteria provided, single submitter. Criteria: ACMG Guidelines, 2015. Collection method: clinical testing. Allele origin: germline.

Labcorp Genetics (formerly Invitae), Labcorp
Classification: Uncertain significance for Autosomal recessive limb-girdle muscular dystrophy type 2D. Last evaluated: 2022-04-29. Review status: criteria provided, single submitter. Criteria: Invitae Variant Classification Sherloc (09022015). Collection method: clinical testing. Allele origin: germline.
Comment: This sequence change replaces threonine, which is neutral and polar, with alanine, which is neutral and non-polar, at codon 39 of the SGCA protein (p.Thr39Ala). This variant is present in population databases (rs540292629, gnomAD 0.06%). This variant has not been reported in the literature in individuals affected with SGCA-related conditions. ClinVar contains an entry for this variant (Variation ID: 811177). Algorithms developed to predict the effect of missense changes on protein structure and function (SIFT, PolyPhen-2, Align-GVGD) all suggest that this variant is likely to be tolerated. In summary, the available evidence is currently insufficient to determine the role of this variant in disease. Therefore, it has been classified as a Variant of Uncertain Significance.

Revvity Omics, Revvity
Classification: Uncertain significance for Autosomal recessive limb-girdle muscular dystrophy type 2D. Last evaluated: 2021-11-29. Review status: criteria provided, single submitter. Criteria: ACMG Guidelines, 2015. Collection method: clinical testing. Allele origin: germline.

Ambry Genetics
Classification: Uncertain significance for Inborn genetic diseases. Last evaluated: 2021-07-14. Review status: criteria provided, single submitter. Criteria: Ambry Variant Classification Scheme 2023. Collection method: clinical testing. Allele origin: germline.

ARUP Laboratories, Molecular Genetics and Genomics, ARUP Laboratories
Classification: Uncertain significance for Autosomal recessive limb-girdle muscular dystrophy type 2D. Last evaluated: 2018-10-26. Review status: criteria provided, single submitter. Criteria: ARUP Molecular Germline Variant Investigation Process. Collection method: clinical testing. Allele origin: germline.
Comment: The SGCA c.115A>G; p.Thr39Ala variant (rs540292629), to our knowledge, is not reported in the medical literature or gene specific databases. This variant is found in the African population with an allele frequency of 0.063% (15/23,996 alleles) in the Genome Aggregation Database. The threonine at codon 39 is weakly conserved, and computational analyses (SIFT, PolyPhen-2) predict that this variant is tolerated. Due to limited information, the clinical significance of the p.Thr39Ala variant is uncertain at this time.

Natera, Inc.
Classification: Uncertain significance for Limb-girdle muscular dystrophy type 2D. Last evaluated: 2020-02-21. Review status: no assertion criteria provided. Collection method: clinical testing. Allele origin: germline. Not counted in ClinVar's aggregate classification.

NM_000023.4(SGCA):c.115A>G (p.Thr39Ala)

Gene: SGCA (sarcoglycan alpha; plus strand). Cytogenetic location: 17q21.33.
Variant type: single nucleotide variant.
Coding change: c.115A>G on transcript NM_000023.4 (MANE Select); coding-DNA position 115, A replaced by G.
Protein change: p.Thr39Ala; replaces threonine 39 with alanine.
Molecular consequence: missense variant. On other transcripts: non-coding transcript variant (1).
Genome position (GRCh38, 1-based): chr17:50,167,445, A>G. VCF-style: chr17-50167445-A-G. GRCh37 (hg19) VCF-style: chr17-48244806-A-G.
Other names: c.115A>G, p.Thr39Ala (NM_001135697.3); short protein forms T39A.
Identifiers: ClinVar variation 811177 (VCV000811177.20), dbSNP rs540292629, ClinGen allele CA8643696.